The following is an entry in ClinVar:

NM_017986.4(SLC52A1):c.787A>G (p.Thr263Ala)

Gene: SLC52A1 (solute carrier family 52 member 1; minus strand). Cytogenetic location: 17p13.2.
Variant type: single nucleotide variant.
Coding change: c.787A>G on transcript NM_017986.4 (MANE Select); coding-DNA position 787, A replaced by G.
Protein change: p.Thr263Ala; replaces threonine 263 with alanine.
Molecular consequence: missense variant.
Genome position (GRCh38, 1-based): chr17:5,033,702, T>C on the plus strand (A>G on the coding strand, the complement: SLC52A1 is on the minus strand). VCF-style: chr17-5033702-T-C. GRCh37 (hg19) VCF-style: chr17-4936997-T-C.
Other names: c.787A>G (NM_001104577.1); c.787A>G, p.Thr263Ala (NM_001104577.2); short protein forms T263A.
Identifiers: ClinVar variation 1053674 (VCV001053674.7), dbSNP rs747246989, ClinGen allele CA8319709.

ClinVar aggregate classification (germline): Uncertain significance. Review status: criteria provided, multiple submitters, no conflicts (2 of 4 stars). 2 submissions from 2 submitters: Uncertain significance (2). Last evaluated 2025-08-08.

Conditions:
Vitamin B2 deficiency. Identifiers: MedGen C0035528.

Allele frequency attached by ClinVar (database versions not stated): ExAC 0.00001; gnomAD exomes 0.00001; TOPMed 0.00001; gnomAD 0.00003 and 0.00004.
gnomAD v4.1: 22 of 1,613,898 alleles (0.0014%); highest among the groups gnomAD compares: African/African-American, 0.027%; no homozygotes.

Submissions (2):

Ambry Genetics
Classification: Uncertain significance. Last evaluated: 2025-08-08. Review status: criteria provided, single submitter. Criteria: Ambry Variant Classification Scheme 2023. Collection method: clinical testing. Allele origin: germline.

Labcorp Genetics (formerly Invitae), Labcorp
Classification: Uncertain significance for Vitamin B2 deficiency. Last evaluated: 2025-05-13. Review status: criteria provided, single submitter. Criteria: Invitae Variant Classification Sherloc (09022015). Collection method: clinical testing. Allele origin: germline.
Comment: This sequence change replaces threonine, which is neutral and polar, with alanine, which is neutral and non-polar, at codon 263 of the SLC52A1 protein (p.Thr263Ala). This variant is present in population databases (rs747246989, gnomAD 0.02%). This variant has not been reported in the literature in individuals affected with SLC52A1-related conditions. ClinVar contains an entry for this variant (Variation ID: 1053674). Invitae Evidence Modeling of protein sequence and biophysical properties (such as structural, functional, and spatial information, amino acid conservation, physicochemical variation, residue mobility, and thermodynamic stability) indicates that this missense variant is not expected to disrupt SLC52A1 protein function with a negative predictive value of 80%. In summary, the available evidence is currently insufficient to determine the role of this variant in disease. Therefore, it has been classified as a Variant of Uncertain Significance.